The following is an entry in ClinVar:

NM_001388453.1(QRICH2):c.2386A>G (p.Ile796Val)

Gene: QRICH2 (glutamine rich 2; minus strand). Cytogenetic location: 17q25.1.
Variant type: single nucleotide variant.
Coding change: c.2386A>G on transcript NM_001388453.1 (MANE Select); coding-DNA position 2386, A replaced by G.
Protein change: p.Ile796Val; replaces isoleucine 796 with valine.
Molecular consequence: missense variant.
Genome position (GRCh38, 1-based): chr17:76,292,341, T>C on the plus strand (A>G on the coding strand, the complement: QRICH2 is on the minus strand). VCF-style: chr17-76292341-T-C. GRCh37 (hg19) VCF-style: chr17-74288422-T-C.
Other names: c.2386A>G, p.Ile796Val (NM_032134.3); short protein forms I796V.
Identifiers: ClinVar variation 3049319 (VCV003049319.2), dbSNP rs6501879, ClinGen allele CA8784096.

ClinVar aggregate classification (germline): Likely benign (0 of 4 stars; one submission).

Conditions:
QRICH2-related disorder. Also called: QRICH2-related condition.

Allele frequency attached by ClinVar (database versions not stated): ExAC 0.00041; gnomAD 0.00633; ESP Exome Variant Server 0.15414; 1000 Genomes Project 0.47145.

Submission:

PreventionGenetics, part of Exact Sciences
Classification: Likely benign for QRICH2-related condition. Last evaluated: 2019-07-16. Review status: no assertion criteria provided. Collection method: clinical testing. Allele origin: germline.
Comment: This variant is classified as likely benign based on ACMG/AMP sequence variant interpretation guidelines (Richards et al. 2015 PMID: 25741868, with internal and published modifications).